The following is an entry in ClinVar:

ClinVar aggregate classification (germline): Uncertain significance (1 of 4 stars; one submission).

Conditions:
Fanconi anemia complementation group O. Also called: RAD51C-Related Fanconi Anemia. Identifiers: Orphanet 84, MedGen C3150653, MONDO:0013248, OMIM 613390.

Submission:

Labcorp Genetics (formerly Invitae), Labcorp
Classification: Uncertain significance for Fanconi anemia complementation group O. Last evaluated: 2019-03-25. Review status: criteria provided, single submitter. Criteria: Invitae Variant Classification Sherloc (09022015). Collection method: clinical testing. Allele origin: germline.
Comment: In summary, the available evidence is currently insufficient to determine the role of this variant in disease. Therefore, it has been classified as a Variant of Uncertain Significance. Algorithms developed to predict the effect of missense changes on protein structure and function are either unavailable or do not agree on the potential impact of this missense change (SIFT: "Deleterious"; PolyPhen-2: "Possibly Damaging"; Align-GVGD: "Class C0"). This variant has not been reported in the literature in individuals with RAD51C-related conditions. This variant is not present in population databases (ExAC no frequency). This sequence change replaces isoleucine with valine at codon 341 of the RAD51C protein (p.Ile341Val). The isoleucine residue is highly conserved and there is a small physicochemical difference between isoleucine and valine.

NM_058216.3(RAD51C):c.1021A>G (p.Ile341Val)

Gene: RAD51C (RAD51 paralog C; plus strand). Cytogenetic location: 17q22.
Variant type: single nucleotide variant.
Coding change: c.1021A>G on transcript NM_058216.3 (MANE Select); coding-DNA position 1021, A replaced by G.
Protein change: p.Ile341Val; replaces isoleucine 341 with valine.
Molecular consequence: missense variant. On other transcripts: non-coding transcript variant (1).
Genome position (GRCh38, 1-based): chr17:58,732,539, A>G. VCF-style: chr17-58732539-A-G. GRCh37 (hg19) VCF-style: chr17-56809900-A-G.
Other names: short protein forms I341V.
Identifiers: ClinVar variation 851867 (VCV000851867.9), dbSNP rs2049473872, ClinGen allele CA400365203.